The following is an entry in ClinVar:

ClinVar aggregate classification (germline): Benign/Likely benign. Review status: criteria provided, multiple submitters, no conflicts (2 of 4 stars). 6 submissions from 6 submitters: Benign (4); Likely benign (2). Last evaluated 2025-12-20.

Conditions:
3-methylglutaconic aciduria with deafness, encephalopathy, and Leigh-like syndrome (MEGDEL). Also called: MEGDEL syndrome; SERAC1 Deficiency; 3-METHYLGLUTACONIC ACIDURIA, TYPE VI. Identifiers: Orphanet 352328, MedGen C4040739, MONDO:0013875, OMIM 614739.

Allele frequency attached by ClinVar (database versions not stated): gnomAD exomes 0.00100; ExAC 0.00135; TOPMed 0.00438; ESP Exome Variant Server 0.00531; 1000 Genomes Project 30x 0.00562; 1000 Genomes Project 0.00599.
gnomAD v4.1: 1,195 of 1,613,992 alleles (0.074%); highest among the groups gnomAD compares: African/African-American, 1.4%; 7 homozygotes.

Submissions (7):

Labcorp Genetics (formerly Invitae), Labcorp
Classification: Benign for 3-methylglutaconic aciduria with deafness, encephalopathy, and Leigh-like syndrome. Last evaluated: 2025-12-20. Review status: criteria provided, single submitter. Criteria: Invitae Variant Classification Sherloc (09022015). Collection method: clinical testing. Allele origin: germline.

CeGaT Center for Human Genetics Tuebingen
Classification: Likely benign. Last evaluated: 2025-12-01. Review status: criteria provided, single submitter. Criteria: CeGaT Center For Human Genetics Tuebingen Variant Classification Criteria Version 2. Collection method: clinical testing. Allele origin: germline. Affected: yes. Observed: 2 variant alleles.
Comment: SERAC1: BP4, BP7, BS1

Genome-Nilou Lab
Classification: Benign for 3-methylglutaconic aciduria with deafness, encephalopathy, and Leigh-like syndrome. Last evaluated: 2022-03-15. Review status: criteria provided, single submitter. Criteria: ACMG Guidelines, 2015. Collection method: clinical testing. Allele origin: germline. Affected: no.

Fulgent Genetics
Classification: Likely benign for 3-methylglutaconic aciduria with deafness, encephalopathy, and Leigh-like syndrome. Last evaluated: 2021-10-08. Review status: criteria provided, single submitter. Criteria: ACMG Guidelines, 2015. Collection method: clinical testing. Allele origin: unknown.

Mayo Clinic Laboratories, Mayo Clinic
Classification: Benign. Last evaluated: 2021-01-07. Review status: criteria provided, single submitter. Criteria: ACMG Guidelines, 2015. Collection method: clinical testing. Allele origin: germline. Observed: 4 variant alleles.

GeneDx
Classification: Benign. Last evaluated: 2015-06-09. Review status: criteria provided, single submitter. Criteria: GeneDx Variant Classification (06012015). Collection method: clinical testing. Allele origin: germline. Affected: yes.
Comment: This variant is considered likely benign or benign based on one or more of the following criteria: it is a conservative change, it occurs at a poorly conserved position in the protein, it is predicted to be benign by multiple in silico algorithms, and/or has population frequency not consistent with disease.

Dr. Peter K. Rogan Lab, Western University
No classification provided (evidence only). Condition: Uterine corpus endometrial carcinoma. Review status: no classification provided. Collection method: in vitro. Allele origin: not applicable. Functional consequence: retained intron. Not counted in ClinVar's aggregate classification.

NM_032861.4(SERAC1):c.1137A>G (p.Val379=)

Gene: SERAC1 (serine active site containing 1; minus strand). Cytogenetic location: 6q25.3.
Variant type: single nucleotide variant.
Coding change: c.1137A>G on transcript NM_032861.4 (MANE Select); coding-DNA position 1137, A replaced by G.
Protein change: p.Val379=; no amino-acid change (valine 379 retained).
Molecular consequence: synonymous variant. On other transcripts: non-coding transcript variant (1).
Genome position (GRCh38, 1-based): chr6:158,120,454, T>C on the plus strand (A>G on the coding strand, the complement: SERAC1 is on the minus strand). VCF-style: chr6-158120454-T-C. GRCh37 (hg19) VCF-style: chr6-158541486-T-C.
Other names: p.Val379=.
Identifiers: ClinVar variation 379678 (VCV000379678.38), dbSNP rs115846131, ClinGen allele CA4071188.